The following is an entry in ClinVar:

NM_000362.5(TIMP3):c.-9_-1del

Genes: SYN3 (synapsin III; minus strand), TIMP3 (TIMP metallopeptidase inhibitor 3; plus strand). Cytogenetic location: 22q12.3.
Variant type: Deletion.
Coding change: c.-9_-1del on transcript NM_000362.5 (MANE Select); 9 bases upstream of the start codon through 1 bases upstream of the start codon, 9 bases deleted (GCAGCGGCA; older notation c.-9_-1delGCAGCGGCA).
Molecular consequence: 5 prime UTR variant. On other transcripts: intron variant (7).
Genome position (GRCh38, 1-based): chr22:32,801,993-32,802,001, GCAGCGGCA deleted; deleting any 9 consecutive bases within chr22:32,801,987-32,802,001 gives the same sequence; the c. name uses the placement nearest the transcript's 3' end. VCF-style (leftmost placement, unchanged base first): chr22-32801986-GGCGGCAGCA-G. GRCh37 (hg19) VCF-style: chr22-33197972-GGCGGCAGCA-G.
Other names: c.708+62920_708+62928del (NM_001369909.1, NM_001135774.2, NM_001369910.1); c.711+62920_711+62928del (NM_001369907.1, NM_003490.4, NM_001369908.1 and 1 more transcripts).
Identifiers: ClinVar variation 4984027 (VCV004984027.1).

ClinVar aggregate classification (germline): Likely benign (1 of 4 stars; one submission).

Conditions:
TIMP3-related disorder. Also called: TIMP3-related condition.

Submission:

PreventionGenetics, part of Exact Sciences
Classification: Likely benign for TIMP3-related condition. Last evaluated: 2025-03-08. Review status: criteria provided, single submitter. Criteria: ACMG Guidelines, 2015. Collection method: clinical testing. Allele origin: germline.
Comment: This variant is classified as likely benign based on ACMG/AMP sequence variant interpretation guidelines (Richards et al. 2015 PMID: 25741868, with internal and published modifications).